The following is an entry in ClinVar:

NM_018249.6(CDK5RAP2):c.344G>A (p.Arg115Gln)

Gene: CDK5RAP2 (CDK5 regulatory subunit associated protein 2; minus strand). Cytogenetic location: 9q33.2.
Variant type: single nucleotide variant.
Coding change: c.344G>A on transcript NM_018249.6 (MANE Select); coding-DNA position 344, G replaced by A.
Protein change: p.Arg115Gln; replaces arginine 115 with glutamine.
Molecular consequence: missense variant. On other transcripts: non-coding transcript variant (5).
Genome position (GRCh38, 1-based): chr9:120,545,753, C>T on the plus strand (G>A on the coding strand, the complement: CDK5RAP2 is on the minus strand). VCF-style: chr9-120545753-C-T. GRCh37 (hg19) VCF-style: chr9-123308031-C-T.
Other names: c.344G>A, p.Arg115Gln (NM_001011649.3, NM_001272039.2); short protein forms R115Q.
Identifiers: ClinVar variation 1421135 (VCV001421135.6), dbSNP rs772364241, ClinGen allele CA5214773.

ClinVar aggregate classification (germline): Uncertain significance (1 of 4 stars; one submission).

Allele frequency attached by ClinVar (database versions not stated): gnomAD 0.00001; TOPMed 0.00001; ExAC 0.00002.
gnomAD v4.1: 9 of 1,613,706 alleles (0.00056%); highest among the groups gnomAD compares: Admixed American, 0.005%; no homozygotes.

Submission:

Labcorp Genetics (formerly Invitae), Labcorp
Classification: Uncertain significance. Last evaluated: 2024-10-24. Review status: criteria provided, single submitter. Criteria: Invitae Variant Classification Sherloc (09022015). Collection method: clinical testing. Allele origin: germline.
Comment: This sequence change replaces arginine, which is basic and polar, with glutamine, which is neutral and polar, at codon 115 of the CDK5RAP2 protein (p.Arg115Gln). This variant is present in population databases (rs772364241, gnomAD 0.009%). This variant has not been reported in the literature in individuals affected with CDK5RAP2-related conditions. ClinVar contains an entry for this variant (Variation ID: 1421135). An algorithm developed to predict the effect of missense changes on protein structure and function outputs the following: PolyPhen-2: "Possibly Damaging". The glutamine amino acid residue is found in multiple mammalian species, which suggests that this missense change does not adversely affect protein function. In summary, the available evidence is currently insufficient to determine the role of this variant in disease. Therefore, it has been classified as a Variant of Uncertain Significance.